The following is an entry in ClinVar:

NM_182641.4(BPTF):c.2662G>A (p.Val888Ile)

Gene: BPTF (bromodomain PHD finger transcription factor; plus strand). Cytogenetic location: 17q24.2.
Variant type: single nucleotide variant.
Coding change: c.2662G>A on transcript NM_182641.4 (MANE Select); coding-DNA position 2662, G replaced by A.
Protein change: p.Val888Ile; replaces valine 888 with isoleucine.
Molecular consequence: missense variant.
Genome position (GRCh38, 1-based): chr17:67,903,907, G>A. VCF-style: chr17-67903907-G-A. GRCh37 (hg19) VCF-style: chr17-65900023-G-A.
Other names: c.2851G>A, p.Val951Ile (NM_001439139.1, NM_001439141.1, NM_001439143.1 and 1 more transcripts); c.3040G>A, p.Val1014Ile (NM_001439140.1, NM_001439142.1, NM_004459.7); short protein forms V1014I, V888I, V951I.
Identifiers: ClinVar variation 4214994 (VCV004214994.2).

ClinVar aggregate classification (germline): Uncertain significance. Review status: criteria provided, multiple submitters, no conflicts (2 of 4 stars). 2 submissions from 2 submitters: Uncertain significance (2). Last evaluated 2025-09-16.

Conditions:
Inborn genetic diseases. Identifiers: MedGen C0950123, MeSH D030342.

gnomAD v4.1: 2 of 1,583,670 alleles (0.00013%); highest among the groups gnomAD compares: Non-Finnish European, 0.00017%; no homozygotes.

Submissions (2):

Women's Health and Genetics/Laboratory Corporation of America, LabCorp
Classification: Uncertain significance. Last evaluated: 2025-09-16. Review status: criteria provided, single submitter. Criteria: LabCorp Variant Classification Summary - May 2015. Collection method: clinical testing. Allele origin: germline.
Comment: Variant summary: BPTF c.3040G>A (p.Val1014Ile) results in a conservative amino acid change in the encoded protein sequence. Algorithms developed to predict the effect of missense changes on protein structure and function are either unavailable or do not agree on the potential impact of this missense change. The variant was absent in 220548 control chromosomes. The available data on variant occurrences in the general population are insufficient to allow any conclusion about variant significance. To our knowledge, no occurrence of c.3040G>A in individuals affected with BPTF-related conditions and no experimental evidence demonstrating its impact on protein function have been reported. No submitters have cited clinical-significance assessments for this variant to ClinVar. Based on the evidence outlined above, the variant was classified as uncertain significance.

Ambry Genetics
Classification: Uncertain significance for Inborn genetic diseases. Last evaluated: 2025-08-26. Review status: criteria provided, single submitter. Criteria: Ambry Variant Classification Scheme 2023. Collection method: clinical testing. Allele origin: germline.